The following is an entry in ClinVar:

NM_014629.4(ARHGEF10):c.2818G>A (p.Val940Ile)

Gene: ARHGEF10 (Rho guanine nucleotide exchange factor 10; plus strand). Cytogenetic location: 8p23.3.
Variant type: single nucleotide variant.
Coding change: c.2818G>A on transcript NM_014629.4 (MANE Select); coding-DNA position 2818, G replaced by A.
Protein change: p.Val940Ile; replaces valine 940 with isoleucine.
Molecular consequence: missense variant.
Genome position (GRCh38, 1-based): chr8:1,928,547, G>A. VCF-style: chr8-1928547-G-A. GRCh37 (hg19) VCF-style: chr8-1876713-G-A.
Other names: c.2704G>A, p.Val902Ile (NM_001308152.2); c.2818G>A, p.Val940Ile (NM_001308153.3); short protein forms V902I, V940I, V964I.
Identifiers: ClinVar variation 1524997 (VCV001524997.6), dbSNP rs367592773, ClinGen allele CA4601077.

ClinVar aggregate classification (germline): Uncertain significance (1 of 4 stars; one submission).

gnomAD v4.1: 23 of 1,614,076 alleles (0.0014%); highest among the groups gnomAD compares: East Asian, 0.0067%; no homozygotes.

Submission:

Labcorp Genetics (formerly Invitae), Labcorp
Classification: Uncertain significance. Last evaluated: 2021-09-22. Review status: criteria provided, single submitter. Criteria: Invitae Variant Classification Sherloc (09022015). Collection method: clinical testing. Allele origin: germline.
Comment: In summary, the available evidence is currently insufficient to determine the role of this variant in disease. Therefore, it has been classified as a Variant of Uncertain Significance. This sequence change replaces valine with isoleucine at codon 940 of the ARHGEF10 protein (p.Val940Ile). The valine residue is weakly conserved and there is a small physicochemical difference between valine and isoleucine. Algorithms developed to predict the effect of missense changes on protein structure and function (SIFT, PolyPhen-2, Align-GVGD) all suggest that this variant is likely to be tolerated. This variant has not been reported in the literature in individuals affected with ARHGEF10-related conditions. This variant is present in population databases (rs367592773, ExAC 0.006%).